The following is an entry in ClinVar:

ClinVar aggregate classification (germline): Uncertain significance (1 of 4 stars; one submission).

Conditions:
Hypoplastic left heart syndrome. Also called: Hypoplastic left ventricle; Hypoplastic left heart. Identifiers: Orphanet 2248, MedGen C0152101, MONDO:0004933, HP:0004383.

Allele frequency attached by ClinVar (database versions not stated): gnomAD exomes below 0.00001.
gnomAD v4.1: 2 of 1,614,068 alleles (0.00012%); highest among the groups gnomAD compares: Non-Finnish European, 0.00017%; no homozygotes.

Submission:

Labcorp Genetics (formerly Invitae), Labcorp
Classification: Uncertain significance for Hypoplastic left heart syndrome. Last evaluated: 2024-02-01. Review status: criteria provided, single submitter. Criteria: Invitae Variant Classification Sherloc (09022015). Collection method: clinical testing. Allele origin: germline.
Comment: This sequence change replaces threonine, which is neutral and polar, with alanine, which is neutral and non-polar, at codon 202 of the HAND1 protein (p.Thr202Ala). This variant is not present in population databases (gnomAD no frequency). This variant has not been reported in the literature in individuals affected with HAND1-related conditions. ClinVar contains an entry for this variant (Variation ID: 1450516). An algorithm developed to predict the effect of missense changes on protein structure and function (PolyPhen-2) suggests that this variant is likely to be disruptive. In summary, the available evidence is currently insufficient to determine the role of this variant in disease. Therefore, it has been classified as a Variant of Uncertain Significance.

NM_004821.3(HAND1):c.604A>G (p.Thr202Ala)

Gene: HAND1 (heart and neural crest derivatives expressed 1; minus strand). Cytogenetic location: 5q33.2.
Variant type: single nucleotide variant.
Coding change: c.604A>G on transcript NM_004821.3 (MANE Select); coding-DNA position 604, A replaced by G.
Protein change: p.Thr202Ala; replaces threonine 202 with alanine.
Molecular consequence: missense variant.
Genome position (GRCh38, 1-based): chr5:154,475,850, T>C on the plus strand (A>G on the coding strand, the complement: HAND1 is on the minus strand). VCF-style: chr5-154475850-T-C. GRCh37 (hg19) VCF-style: chr5-153855410-T-C.
Other names: short protein forms T202A.
Identifiers: ClinVar variation 1450516 (VCV001450516.6), dbSNP rs2113300864, ClinGen allele CA361920543.